The following is an entry in ClinVar:

NM_003107.3(SOX4):c.844G>C (p.Ala282Pro)

Genes: SOX4 (SRY-box transcription factor 4; plus strand), LOC129995965 (ATAC-STARR-seq lymphoblastoid silent region 16985; plus strand). Cytogenetic location: 6p22.3.
Variant type: single nucleotide variant.
Coding change: c.844G>C on transcript NM_003107.3 (MANE Select); coding-DNA position 844, G replaced by C.
Protein change: p.Ala282Pro; replaces alanine 282 with proline.
Molecular consequence: missense variant.
Genome position (GRCh38, 1-based): chr6:21,595,378, G>C. VCF-style: chr6-21595378-G-C. GRCh37 (hg19) VCF-style: chr6-21595609-G-C.
Other names: short protein forms A282P.
Identifiers: ClinVar variation 4989495 (VCV004989495.1).

ClinVar aggregate classification (germline): Uncertain significance (1 of 4 stars; one submission).

Conditions:
SOX4-related disorder. Also called: SOX4-related condition.

Submission:

PreventionGenetics, part of Exact Sciences
Classification: Uncertain significance for SOX4-related condition. Last evaluated: 2026-07-19. Review status: criteria provided, single submitter. Criteria: ACMG Guidelines, 2015. Collection method: clinical testing. Allele origin: germline.
Comment: The SOX4 c.844G>C variant is predicted to result in the amino acid substitution p.Ala282Pro. To our knowledge, this variant has not been reported in the literature. This variant is absent in a large population database (gnomAD), indicating this variant is rare. At this time, the clinical significance of this variant is uncertain due to the absence of conclusive functional and genetic evidence.